The following is an entry in ClinVar:

ClinVar aggregate classification (germline): Uncertain significance (1 of 4 stars; one submission).

Conditions:
Catecholaminergic polymorphic ventricular tachycardia 1. Also called: VENTRICULAR TACHYCARDIA, CATECHOLAMINERGIC POLYMORPHIC, 1, WITH OR WITHOUT ATRIAL DYSFUNCTION AND/OR DILATED CARDIOMYOPATHY; RYR2-Related Catecholaminergic Polymorphic Ventricular Tachycardia; VENTRICULAR TACHYCARDIA, STRESS-INDUCED POLYMORPHIC 1. Identifiers: Orphanet 3286, MedGen C1631597, MONDO:0011484, OMIM 604772.

Submission:

Labcorp Genetics (formerly Invitae), Labcorp
Classification: Uncertain significance for Catecholaminergic polymorphic ventricular tachycardia 1. Last evaluated: 2025-06-29. Review status: criteria provided, single submitter. Criteria: Invitae Variant Classification Sherloc (09022015). Collection method: clinical testing. Allele origin: germline.
Comment: This variant, c.1141_1149del, results in the deletion of 3 amino acid(s) of the CASQ2 protein (p.Asp381_Asp383del), but otherwise preserves the integrity of the reading frame. This variant is not present in population databases (gnomAD no frequency). This variant has not been reported in the literature in individuals affected with CASQ2-related conditions. Experimental studies and prediction algorithms are not available or were not evaluated, and the functional significance of this variant is currently unknown. In summary, the available evidence is currently insufficient to determine the role of this variant in disease. Therefore, it has been classified as a Variant of Uncertain Significance.

NM_001232.4(CASQ2):c.1132GAT[3] (p.Asp381_Asp383del)

Gene: CASQ2 (calsequestrin 2; minus strand). Cytogenetic location: 1p13.1.
Variant type: Microsatellite.
Coding change: c.1132GAT[3] on transcript NM_001232.4 (MANE Select); three copies in a row of the 3-base unit GAT starting at c.1132; the reference has six copies in a row; three copies, 9 bases deleted.
Protein change: p.Asp381_Asp383del.
Molecular consequence: inframe deletion.
Genome position (GRCh38, 1-based): chr1:115,701,292-115,701,300, ATCATCATC deleted on the plus strand (GATGATGAT on the coding strand, the reverse complement: CASQ2 is on the minus strand); deleting any 9 consecutive bases within chr1:115,701,292-115,701,309 gives the same sequence; the position shown is the placement nearest the transcript's 3' end. VCF-style (leftmost placement, unchanged base first): chr1-115701291-TATCATCATC-T. GRCh37 (hg19) VCF-style: chr1-116243912-TATCATCATC-T.
Identifiers: ClinVar variation 4748055 (VCV004748055.1).